The following is an entry in ClinVar:

NM_004004.6(GJB2):c.11G>A (p.Gly4Asp)

Gene: GJB2 (gap junction protein beta 2; minus strand). Cytogenetic location: 13q12.11.
Variant type: single nucleotide variant.
Coding change: c.11G>A on transcript NM_004004.6 (MANE Select); coding-DNA position 11, G replaced by A.
Protein change: p.Gly4Asp; replaces glycine 4 with aspartic acid.
Molecular consequence: missense variant.
Genome position (GRCh38, 1-based): chr13:20,189,571, C>T on the plus strand (G>A on the coding strand, the complement: GJB2 is on the minus strand). VCF-style: chr13-20189571-C-T. GRCh37 (hg19) VCF-style: chr13-20763710-C-T.
Other names: short protein forms G4D.
Identifiers: ClinVar variation 44724 (VCV000044724.79), dbSNP rs111033222, ClinGen allele CA134947.
Genomic context (GRCh38, chr13:20,189,571, plus strand): 5'-CAGATCTTTCCAATGCTGGTGGAGTGTTTGTTCACACCCCCCAGGATCGTCTGCAGCGTG[C>T]CCCAATCCATCTTCTACTCTGGGCGGTTTGCTCTGGAAAAGACGAATGCACACAACACAG-3'
Protein context (NP_003995.2, residues 1-14): MDW[Gly4Asp]TLQTILGGVN

ClinVar aggregate classification (germline): Conflicting classifications of pathogenicity. Review status: criteria provided, conflicting classifications (1 of 4 stars). 18 submissions from 16 submitters: Uncertain significance (1); Benign (2); Likely benign (10). 5 of the submissions do not count toward it. Last evaluated 2026-02-04.

Conditions:
Autosomal dominant nonsyndromic hearing loss 3A. Identifiers: Orphanet 90635, MedGen C2675750, MONDO:0011103, OMIM 601544.
Ichthyosis, hystrix-like, with hearing loss. Also called: Hystrix-like ichthyosis with deafness. Identifiers: Orphanet 477, MedGen C1865234, MONDO:0011245.
Autosomal recessive nonsyndromic hearing loss 1A (DFNB1A). Also called: Connexin 26 deafness; Deafness nonsyndromic, Connexin 26 linked; GJB6-Related DFNB 1 Nonsyndromic Hearing Loss and Deafness; Deafness, autosomal recessive 1A; Nonsyndromic Hearing Loss and Deafness, DFNB1; GJB2-Related Autosomal Recessive Nonsyndromic Hearing Loss. Identifiers: Orphanet 90636, MedGen C2673759, MONDO:0009076, OMIM 220290.

Allele frequency attached by ClinVar (database versions not stated): gnomAD 0.00054 and 0.00059; ESP Exome Variant Server 0.00069; 1000 Genomes Project 0.00020; 1000 Genomes Project 30x 0.00016; TOPMed 0.00066.

Submissions 1 to 8 of 18:

Labcorp Genetics (formerly Invitae), Labcorp
Classification: Likely benign. Last evaluated: 2026-02-04. Review status: criteria provided, single submitter. Criteria: Invitae Variant Classification Sherloc (09022015). Collection method: clinical testing. Allele origin: germline.

Women's Health and Genetics/Laboratory Corporation of America, LabCorp
Classification: Likely benign. Last evaluated: 2025-02-11. Review status: criteria provided, single submitter. Criteria: LabCorp Variant Classification Summary - May 2015. Collection method: clinical testing. Allele origin: germline.
Comment: Variant summary: GJB2 c.11G>A (p.Gly4Asp) results in a non-conservative amino acid change located in the Connexin, N-terminal domain (IPR013092) of the encoded protein sequence. Three of five in-silico tools predict a benign effect of the variant on protein function. The variant allele was found at a frequency of 0.00026 in 1635920 control chromosomes, predominantly at a frequency of 0.0021 within the East Asian subpopulation in the gnomAD database and in publication data (Hwa_2003, Roux_2004, Snoeckx_2005, Han_2008, Zainal_2012, Chiong_2013, Yuan_2023). Though this frequency is not significantly higher than estimated for a pathogenic variant in GJB2 causing Autosomal Recessive Non-Syndromic Hearing Loss (0.00026 vs 0.025), at least 9 homozygous occurrences were observed among healthy controls (gnomAD and Snoeckx 2005), suggesting against the pathogenic role for the variant. Though the c.11G>A variant has been reported in the literature in multiple individuals affected with Autosomal Recessive Non-Syndromic Hearing Loss, who were compound heterozygous for this variant and another pathogenic variant (e.g. Dai_2009, Al-Qahtani_2010, Lipan_2011, Xin_2013), in one patient this variant also co-occurred in cis with a pathogenic variant, IVS1+1G>A (Yuan_2010), providing supporting evidence for a benign role. In addition, in several studies (carried out in East Asian subpopulations), the variant was observed in a similar (or even larger) frequency in healthy controls than in patients (Snoeckx_2005, Zainal_2012, Yuan_2023). To our knowledge, no experimental evidence demonstrating an impact on protein function has been reported. The following publications have been ascertained in the context of this evaluation (PMID: 19929407, 30245029, 24612839, 19366456, 19043807, 12792423, 19877196, 21162657, 19235794, 21287563, 15967879, 17666888, 17426645, 15070423, 15832357, 17041943, 24341454, 27785406, 20593197, 21122151, 22613756, 26043044, 38002950). ClinVar contains an entry for this variant (Variation ID: 44724). Based on the evidence outlined above, the variant was classified as likely benign.

Blueprint Genetics
Classification: Likely benign. Last evaluated: 2024-10-28. Review status: criteria provided, single submitter. Criteria: ACMG Guidelines, 2015. Collection method: clinical testing. Allele origin: germline.

Athena Diagnostics
Classification: Benign. Last evaluated: 2024-09-17. Review status: criteria provided, single submitter. Criteria: Athena Diagnostics Criteria. Collection method: clinical testing. Allele origin: unknown.

Victorian Clinical Genetics Services, Murdoch Childrens Research Institute
Classification: Uncertain significance for Autosomal recessive nonsyndromic hearing loss 1A. Last evaluated: 2022-03-31. Review status: criteria provided, single submitter. Criteria: ACMG Guidelines, 2015. Collection method: clinical testing. Allele origin: germline. Inheritance: Autosomal recessive inheritance. Affected: yes.
Comment: Based on the classification scheme VCGS_Germline_v1.3.4, this variant is classified as VUS-3C. Following criteria are met: 0102 - Loss of function is a known mechanism of disease in this gene and is associated with both deafness and skin conditions (OMIM). Dominant negative is also a suggested mechanism (PMID: 28428247). (I) 0108 - This gene is associated with both recessive and dominant disease. Autosomal dominant disease is commonly associated with pathogenic protein truncating and missense variants whereas autosomal recessive disease is commonly associated with bi-allelic loss-of-function variants (NIH Genetics Home Reference, PMID: 12792423). (I) 0112 - The condition associated with this gene has incomplete penetrance (PMID:31160754). (I) 0115 - Variants in this gene are known to have variable expressivity. Inter- and intra-familial variability have been reported with disease severity ranging from mild to profound. Truncating variants are commonly associated with more severe hearing loss (GeneReviews). (I) 0200 - Variant is predicted to result in a missense amino acid change from glycine to aspartic acid. (I) 0252 - This variant is homozygous. (I) 0304 - Variant is present in gnomAD (v2) <0.01 for a recessive condition (128 heterozygotes, 1 homozygote). (SP) 0309 - An alternative amino acid change at the same position has been observed in gnomAD (v2) (p.(Gly4Val): 4 heterozygotes, 0 homozygotes). (I) 0502 - Missense variant with conflicting in silico predictions, low conservation and moderate amino acid change. (I) 0600 - Variant is located in the annotated connexin domain (DECIPHER). (I) 0705 - No comparable missense variants have previous evidence for pathogenicity. (I) 0808 - Previous reports of pathogenicity for this variant are conflicting. This variant has been classified as likely benign and VUS in the literature and by multiple clinical diagnostic laboratories, primarily due to its allele frequency in the general population (PMIDs: 15070423, 17041943, 21287563, 30245029, ClinVar). However, this variant has also been observed in affected individuals either as heterozygous or compound heterozygous and classified as pathogenic (PMIDs: 12792423, 31992338). (I) 0905 - No published segregation evidence has been identified for this variant. (I) 1007 - No published functional evidence has been identified for this variant. (I) 1208 - Inheritance information for this variant is not currently available in this individual. (I) Legend: (SP) - Supporting pathogenic, (I) - Information, (SB) - Supporting benign

CeGaT Center for Human Genetics Tuebingen
Classification: Likely benign. Last evaluated: 2021-11-01. Review status: criteria provided, single submitter. Criteria: CeGaT Center For Human Genetics Tuebingen Variant Classification Criteria Version 2. Collection method: clinical testing. Allele origin: germline. Affected: yes. Observed: 1 variant allele.

GeneDx
Classification: Likely benign. Last evaluated: 2020-03-03. Review status: criteria provided, single submitter. Criteria: GeneDx Variant Classification Process June 2021. Collection method: clinical testing. Allele origin: germline. Affected: yes.
Comment: This variant is associated with the following publications: (PMID: 12792423, 19043807, 22613756, 21122151, 25388846, 17426645, 26043044, 20593197, 23638949, 25087612, 15070423, 27153395, 19366456, 17041943, 24612839, 21162657, 15967879, 17666888, 24341454, 19929407, 19235794, 19877196, 21287563, 15832357, 30245029, 31992338)

ARUP Laboratories, Molecular Genetics and Genomics, ARUP Laboratories
Classification: Likely benign. Last evaluated: 2018-03-28. Review status: criteria provided, single submitter. Criteria: ARUP Molecular Germline Variant Investigation Process. Collection method: clinical testing. Allele origin: germline.
Comment: The GJB2 c.11G>A, p.Gly4Asp variant (rs111033222) has been reported in individuals with non-syndromic hearing impairment (Dai 2009, Hwa 2003, Tang 2006, Yao 2013). However, it has also been reported in the general population at similar frequencies (Roux 2004, Snoeckx 2005, Tang 2006, Zainal 2012), and found in-cis with a pathogenic variant (Yuan 2010). The variant is listed in ClinVar (Variation ID: 44724), and observed in the Genome Aggregation Database at a frequency of 0.046% (126/275028 alleles, including 1 homozygote). The glycine at residue 4 is highly conserved, but computational algorithms (PolyPhen-2, SIFT) predict that the variant has no impact on the protein. Based on the above information, the variant is considered likely benign. References: Dai P et al. GJB2 mutation spectrum in 2,063 Chinese patients with nonsyndromic hearing impairment. J Transl Med. 2009; 7:26. Hwa H et al. Mutation spectrum of the connexin 26 (GJB2) gene in Taiwanese patients with prelingual deafness. Genet Med. 2003; 5(3):161-5. Roux A et al. Molecular epidemiology of DFNB1 deafness in France. BMC Med Genet. 2004; 5:5. Snoeckx R et al. GJB2 (connexin 26) mutations are not a major cause of hearing loss in the Indonesian population. Am J Med Genet A. 2005; 135(2):126-9. Tang H et al. DNA sequence analysis of GJB2, encoding connexin 26: observations from a population of hearing impaired cases and variable carrier rates, complex genotypes, and ethnic stratification of alleles among controls. Am J Med Genet A. 2006; 140(22):2401-15. Yao G et al. Novel mutations of SLC26A4 in Chinese patients with nonsyndromic hearing loss. Acta Otolaryngol. 2013; 133(8):833-41. Yuan Y et al. Prevalence of the GJB2 IVS1+1G >A mutation in Chinese hearing loss patients with monoallelic pathogenic mutation in the coding region of GJB2. J Transl Med. 2010;8:127. Zainal S et al. Mutation detection in GJB2 gene among Malays with non-syndromic hearing loss. Int J Pediatr Otorhinolaryngol. 2012; 76(8):1175-9.